The following is an entry in ClinVar:

ClinVar aggregate classification (germline): Pathogenic (1 of 4 stars; one submission).

Allele frequency attached by ClinVar (database versions not stated): gnomAD 0.00001; TOPMed 0.00002.

Submission:

GeneDx
Classification: Pathogenic. Last evaluated: 2023-04-10. Review status: criteria provided, single submitter. Criteria: GeneDx Variant Classification Process June 2021. Collection method: clinical testing. Allele origin: germline. Affected: yes.
Comment: Frameshift variant predicted to result in protein truncation or nonsense mediated decay in a gene for which loss of function is a known mechanism of disease; Not observed at significant frequency in large population cohorts (gnomAD); Has not been previously published as pathogenic or benign to our knowledge

NM_016148.5(SHANK1):c.4407del (p.His1470fs)

Gene: SHANK1 (SH3 and multiple ankyrin repeat domains 1; minus strand). Cytogenetic location: 19q13.33.
Variant type: Deletion.
Coding change: c.4407del on transcript NM_016148.5 (MANE Select); coding-DNA position 4407, one base deleted (G; older notation c.4407delG).
Protein change: p.His1470fs; shifts the reading frame from histidine 1470.
Molecular consequence: frameshift variant.
Genome position (GRCh38, 1-based): chr19:50,667,553, C deleted on the plus strand (G on the coding strand, the reverse complement: SHANK1 is on the minus strand). VCF-style (leftmost placement, unchanged base first): chr19-50667552-GC-G. GRCh37 (hg19) VCF-style: chr19-51170809-GC-G.
Other names: short protein forms H1470fs.
Identifiers: ClinVar variation 2662531 (VCV002662531.1), dbSNP rs1023212658, ClinGen allele CA309626602.